The following is an entry in ClinVar:

NM_000094.4(COL7A1):c.5097+1G>C

Gene: COL7A1 (collagen type VII alpha 1 chain; minus strand). Cytogenetic location: 3p21.31.
Variant type: single nucleotide variant.
Coding change: c.5097+1G>C on transcript NM_000094.4 (MANE Select); the canonical splice donor site of the intron after coding-DNA position 5097, G replaced by C.
Molecular consequence: splice donor variant.
Genome position (GRCh38, 1-based): chr3:48,580,299, C>G on the plus strand (G>C on the coding strand, the complement: COL7A1 is on the minus strand). VCF-style: chr3-48580299-C-G. GRCh37 (hg19) VCF-style: chr3-48617732-C-G.
Identifiers: ClinVar variation 3720504 (VCV003720504.2).

ClinVar aggregate classification (germline): Pathogenic (1 of 4 stars; one submission).

Submission:

Labcorp Genetics (formerly Invitae), Labcorp
Classification: Pathogenic. Last evaluated: 2024-03-20. Review status: criteria provided, single submitter. Criteria: Invitae Variant Classification Sherloc (09022015). Collection method: clinical testing. Allele origin: germline.
Comment: This sequence change affects a donor splice site in intron 55 of the COL7A1 gene. It is expected to disrupt splicing. Variants that disrupt the donor or acceptor splice site typically lead to a loss of protein function (PMID: 16199547), and loss-of-function variants in COL7A1 are known to be disease-causing for autosomal recessive dystrophic epidermolysis bullosa (PMID: 16971478). However, certain variants affecting donor or acceptor splice sites in the triple helical domain of COL7A1 are expected to result in in-frame exon skipping and have been reported to cause autosomal dominant dystrophic epidermolysis bullosa (PMID: 31670143). This variant is not present in population databases (gnomAD no frequency). Disruption of this splice site has been observed in individual(s) with autosomal dominant epidermolysis bullosa (PMID: 21844455, 34046686). It has also been observed to segregate with disease in related individuals. This variant is also known as IVS55+1G>C. Algorithms developed to predict the effect of sequence changes on RNA splicing suggest that this variant may disrupt the consensus splice site. For these reasons, this variant has been classified as Pathogenic.

Literature cited by the submitters: PubMed 16199547; PubMed 16971478; PubMed 31670143; PubMed 21844455; PubMed 34046686.